The following is an entry in ClinVar:

NM_005120.3(MED12):c.5834C>G (p.Thr1945Ser)

Gene: MED12 (mediator complex subunit 12; plus strand). Cytogenetic location: Xq13.1.
Variant type: single nucleotide variant.
Coding change: c.5834C>G on transcript NM_005120.3 (MANE Select); coding-DNA position 5834, C replaced by G.
Protein change: p.Thr1945Ser; replaces threonine 1945 with serine.
Molecular consequence: missense variant.
Genome position (GRCh38, 1-based): chrX:71,137,733, C>G. VCF-style: chrX-71137733-C-G. GRCh37 (hg19) VCF-style: chrX-70357583-C-G.
Other names: short protein forms T1945S.
Identifiers: ClinVar variation 1333933 (VCV001333933.4), dbSNP rs2147830593, ClinGen allele CA413538143.

ClinVar aggregate classification (germline): Uncertain significance. Review status: criteria provided, multiple submitters, no conflicts (2 of 4 stars). 2 submissions from 2 submitters: Uncertain significance (2). Last evaluated 2023-04-06.

Conditions:
X-linked intellectual disability with marfanoid habitus. Also called: INTELLECTUAL DEVELOPMENTAL DISORDER, X-LINKED, SYNDROMIC, LUJAN-FRYNS TYPE; X-linked mental retardation with marfanoid habitus syndrome; Lujan Syndrome; Lujan Syndrome (LS). Identifiers: Orphanet 776, MedGen C0796022, MONDO:0010655, OMIM 309520.
FG syndrome (FGS). Identifiers: MedGen C0220769, MONDO:0002010.

Submissions (2):

Labcorp Genetics (formerly Invitae), Labcorp
Classification: Uncertain significance for FG syndrome. Last evaluated: 2023-04-06. Review status: criteria provided, single submitter. Criteria: Invitae Variant Classification Sherloc (09022015). Collection method: clinical testing. Allele origin: germline.
Comment: In summary, the available evidence is currently insufficient to determine the role of this variant in disease. Therefore, it has been classified as a Variant of Uncertain Significance. Advanced modeling of protein sequence and biophysical properties (such as structural, functional, and spatial information, amino acid conservation, physicochemical variation, residue mobility, and thermodynamic stability) has been performed at Invitae for this missense variant, however the output from this modeling did not meet the statistical confidence thresholds required to predict the impact of this variant on MED12 protein function. ClinVar contains an entry for this variant (Variation ID: 1333933). This variant has not been reported in the literature in individuals affected with MED12-related conditions. This variant is not present in population databases (gnomAD no frequency). This sequence change replaces threonine, which is neutral and polar, with serine, which is neutral and polar, at codon 1945 of the MED12 protein (p.Thr1945Ser).

CENTOGENE GmbH and LLC - Guiding Precision Medicine
Classification: Uncertain significance for X-linked intellectual disability with marfanoid habitus. Last evaluated: 2020-12-28. Review status: criteria provided, single submitter. Criteria: ACMG Guidelines, 2015. Collection method: clinical testing. Allele origin: maternal.